The following is an entry in ClinVar:

NM_006206.6(PDGFRA):c.4G>A (p.Gly2Arg)

Gene: PDGFRA (platelet derived growth factor receptor alpha; plus strand). Cytogenetic location: 4q12.
Variant type: single nucleotide variant.
Coding change: c.4G>A on transcript NM_006206.6 (MANE Select); coding-DNA position 4, G replaced by A.
Protein change: p.Gly2Arg; replaces glycine 2 with arginine.
Molecular consequence: missense variant.
Genome position (GRCh38, 1-based): chr4:54,258,772, G>A. VCF-style: chr4-54258772-G-A. GRCh37 (hg19) VCF-style: chr4-55124939-G-A.
Other names: c.4G>A, p.Gly2Arg (NM_001347827.2, NM_001347829.2); c.79G>A, p.Gly27Arg (NM_001347828.2); c.43G>A, p.Gly15Arg (NM_001347830.2); short protein forms G27R, G15R, G2R.
Identifiers: ClinVar variation 844786 (VCV000844786.8), dbSNP rs1722515922, ClinGen allele CA356888041.

ClinVar aggregate classification (germline): Uncertain significance. Review status: criteria provided, multiple submitters, no conflicts (2 of 4 stars). 2 submissions from 2 submitters: Uncertain significance (2). Last evaluated 2024-06-04.

Conditions:
Gastrointestinal stromal tumor. Also called: Gastrointestinal stromal tumor, somatic; Gastrointestinal stroma tumor. Identifiers: Orphanet 44890, MedGen C0238198, MeSH D046152, MONDO:0011719, OMIM 606764, HP:0100723.

Allele frequency attached by ClinVar (database versions not stated): gnomAD exomes below 0.00001.
gnomAD v4.1: 3 of 1,612,656 alleles (0.00019%); highest among the groups gnomAD compares: Non-Finnish European, 0.00025%; no homozygotes.

Submissions (2):

GeneDx
Classification: Uncertain significance. Last evaluated: 2024-06-04. Review status: criteria provided, single submitter. Criteria: GeneDx Variant Classification Process June 2021. Collection method: clinical testing. Allele origin: germline. Affected: yes.
Comment: Not observed at significant frequency in large population cohorts (gnomAD); In silico analysis indicates that this missense variant does not alter protein structure/function; Has not been previously published as pathogenic or benign to our knowledge

Labcorp Genetics (formerly Invitae), Labcorp
Classification: Uncertain significance for Gastrointestinal stromal tumor. Last evaluated: 2021-12-14. Review status: criteria provided, single submitter. Criteria: Invitae Variant Classification Sherloc (09022015). Collection method: clinical testing. Allele origin: germline.
Comment: This variant is not present in population databases (gnomAD no frequency). In summary, the available evidence is currently insufficient to determine the role of this variant in disease. Therefore, it has been classified as a Variant of Uncertain Significance. Algorithms developed to predict the effect of missense changes on protein structure and function are either unavailable or do not agree on the potential impact of this missense change (SIFT: "Tolerated"; PolyPhen-2: "Probably Damaging"; Align-GVGD: "Class C0"). ClinVar contains an entry for this variant (Variation ID: 844786). This variant has not been reported in the literature in individuals affected with PDGFRA-related conditions. This sequence change replaces glycine, which is neutral and non-polar, with arginine, which is basic and polar, at codon 2 of the PDGFRA protein (p.Gly2Arg).